The following is an entry in ClinVar:

ClinVar aggregate classification (germline): Uncertain significance. Review status: criteria provided, multiple submitters, no conflicts (2 of 4 stars). 2 submissions from 2 submitters: Uncertain significance (2). Last evaluated 2024-12-19.

Conditions:
Neurodevelopmental, jaw, eye, and digital syndrome (NEDJED). Identifiers: MedGen C5394477, MONDO:0030057, OMIM 618914.

Allele frequency attached by ClinVar (database versions not stated): gnomAD exomes below 0.00001.

Submissions (2):

Dasa
Classification: Uncertain significance for Neurodevelopmental, jaw, eye, and digital syndrome. Last evaluated: 2024-12-19. Review status: criteria provided, single submitter. Criteria: DASA Assertion Criteria. Collection method: clinical testing. Allele origin: germline.
Comment: NM_001378974.1(FBXW11):c.245G>A (p.Arg82Lys) is a missense variant that results in the substitution of arginine with lysine. This variant is rare in population databases. Computational prediction algorithms are consistent with a benign effect. The currently available literature and clinical evidence are not sufficient to establish a definitive association between this variant and the reported condition. Therefore, this variant is classified as a variant of uncertain significance.

GeneDx
Classification: Uncertain significance. Last evaluated: 2022-09-28. Review status: criteria provided, single submitter. Criteria: GeneDx Variant Classification Process June 2021. Collection method: clinical testing. Allele origin: germline. Affected: yes.
Comment: In silico analysis supports that this missense variant does not alter protein structure/function; Has not been previously published as pathogenic or benign to our knowledge

NM_001378974.1(FBXW11):c.245G>A (p.Arg82Lys)

Gene: FBXW11 (F-box and WD repeat domain containing 11; minus strand). Cytogenetic location: 5q35.1.
Variant type: single nucleotide variant.
Coding change: c.245G>A on transcript NM_001378974.1 (MANE Select); coding-DNA position 245, G replaced by A.
Protein change: p.Arg82Lys; replaces arginine 82 with lysine.
Molecular consequence: missense variant.
Genome position (GRCh38, 1-based): chr5:171,910,763, C>T on the plus strand (G>A on the coding strand, the complement: FBXW11 is on the minus strand). VCF-style: chr5-171910763-C-T. GRCh37 (hg19) VCF-style: chr5-171337767-C-T.
Other names: c.182G>A, p.Arg61Lys (NM_001378975.1, NM_012300.3); c.149G>A, p.Arg50Lys (NM_001378976.1); c.86G>A, p.Arg29Lys (NM_001378977.1, NM_001378978.1, NM_001378979.1); c.80G>A, p.Arg27Lys (NM_001378980.1, NM_033645.3); c.143G>A, p.Arg48Lys (NM_033644.3); short protein forms R27K, R29K, R48K, R50K, R61K, R82K.
Identifiers: ClinVar variation 2446631 (VCV002446631.3), dbSNP rs1211750074, ClinGen allele CA362212042.